The following is an entry in ClinVar:

ClinVar aggregate classification (germline): Likely pathogenic. Review status: criteria provided, single submitter (1 of 4 stars). 2 submissions from 2 submitters: Likely pathogenic (1). 1 of the submissions does not count toward it. Last evaluated 2022-11-04.

Conditions:
CAV3-related disorder. Also called: CAV3-related condition.

Submissions (2):

PreventionGenetics, part of Exact Sciences
Classification: Likely pathogenic for CAV3-related condition. Last evaluated: 2022-11-04. Review status: criteria provided, single submitter. Criteria: ACMG Guidelines, 2015. Collection method: clinical testing. Allele origin: germline.
Comment: The CAV3 c.183C>A variant is predicted to result in the amino acid substitution p.Ser61Arg. This variant has been reported in the heterozygous state in an individual with myopathy, dystrophic muscle biopsy pathology, and no CAV3 protein detected by western blot (Table 1, Fulizio et al 2005. PubMed ID: 15580566). This variant has not been reported in a large population database, indicating this variant is rare. A C-to-G change at the same nucleotide position resulting in the the same amino acid change has been reported in a father and son with familial hyperckemia and calf hypertrophy, as well as another individual with myopathy (Otero-Loperena. 2020. PubMed ID: 33002912; Stavusis et al. 2015. PubMed ID: 25630502). This variant is interpreted as likely pathogenic.

Leiden Muscular Dystrophy (CAV3)
No classification provided. Last evaluated: 2012-04-15. Review status: no classification provided. Collection method: curation. Allele origin: germline. Not counted in ClinVar's aggregate classification.

NM_033337.3(CAV3):c.183C>A (p.Ser61Arg)

Genes: CAV3 (caveolin 3; plus strand), OXTR (oxytocin receptor; minus strand). Cytogenetic location: 3p25.3.
Variant type: single nucleotide variant.
Coding change: c.183C>A on transcript NM_033337.3 (MANE Select); coding-DNA position 183, C replaced by A.
Protein change: p.Ser61Arg; replaces serine 61 with arginine.
Molecular consequence: missense variant.
Genome position (GRCh38, 1-based): chr3:8,745,594, C>A. VCF-style: chr3-8745594-C-A. GRCh37 (hg19) VCF-style: chr3-8787280-C-A.
Other names: c.183C>A, p.Ser61Arg (NM_001234.5); short protein forms S61R.
Identifiers: ClinVar variation 31729 (VCV000031729.4), dbSNP rs116840796, ClinGen allele CA215181.